The following is an entry in ClinVar:

ClinVar aggregate classification (germline): Pathogenic. Review status: criteria provided, multiple submitters, no conflicts (2 of 4 stars). 2 submissions from 2 submitters: Pathogenic (2). Last evaluated 2025-05-16.

Conditions:
Familial cancer of breast. Also called: BREAST CANCER, FAMILIAL; Hereditary breast cancer; hereditary breast carcinoma. Identifiers: Orphanet 227535, MedGen C0346153, MONDO:0016419, OMIM 114480. Disease mechanism: loss of function.
Hereditary cancer-predisposing syndrome. Also called: Neoplastic Syndromes, Hereditary; Tumor predisposition; Hereditary neoplastic syndrome; Hereditary Cancer Syndrome. Identifiers: Orphanet 140162, MedGen C0027672, MeSH D009386, MONDO:0015356.

Submissions (2):

Ambry Genetics
Classification: Pathogenic for Hereditary cancer-predisposing syndrome. Last evaluated: 2025-05-16. Review status: criteria provided, single submitter. Criteria: Ambry Variant Classification Scheme 2023. Collection method: clinical testing. Allele origin: germline.
Comment: The c.2736delG pathogenic mutation, located in coding exon 17 of the ATM gene, results from a deletion of one nucleotide at nucleotide position 2736, causing a translational frameshift with a predicted alternate stop codon (p.T913Pfs*16). This variant is considered to be rare based on population cohorts in the Genome Aggregation Database (gnomAD). This alteration is expected to result in loss of function by premature protein truncation or nonsense-mediated mRNA decay. As such, this alteration is interpreted as a disease-causing mutation.

Myriad Genetics, Inc.
Classification: Pathogenic for Familial cancer of breast. Last evaluated: 2024-01-18. Review status: criteria provided, single submitter. Criteria: Myriad Autosomal Dominant, Autosomal Recessive and X-Linked Classification Criteria (2023). Collection method: clinical testing. Allele origin: unknown.
Comment: This variant is considered pathogenic. This variant creates a frameshift predicted to result in premature protein truncation.

NM_000051.4(ATM):c.2736del (p.Thr913fs)

Gene: ATM (ATM serine/threonine kinase; plus strand). Cytogenetic location: 11q22.3.
Variant type: Deletion.
Coding change: c.2736del on transcript NM_000051.4 (MANE Select); coding-DNA position 2736, one base deleted (G; older notation c.2736delG).
Protein change: p.Thr913fs; shifts the reading frame from threonine 913.
Molecular consequence: frameshift variant.
Genome position (GRCh38, 1-based): chr11:108,268,507, G deleted. VCF-style (leftmost placement, unchanged base first): chr11-108268506-AG-A. GRCh37 (hg19) VCF-style: chr11-108139233-AG-A.
Other names: c.2736del, p.Thr913fs (NM_001351834.2); short protein forms T913fs.
Identifiers: ClinVar variation 3148244 (VCV003148244.2), dbSNP rs2497634909, ClinGen allele CA2825001812.